The following is an entry in ClinVar:

NM_006502.3(POLH):c.2028C>T (p.Ala676=)

Gene: POLH (DNA polymerase eta; plus strand). Cytogenetic location: 6p21.1.
Variant type: single nucleotide variant.
Coding change: c.2028C>T on transcript NM_006502.3 (MANE Select); coding-DNA position 2028, C replaced by T.
Protein change: p.Ala676=; no amino-acid change (alanine 676 retained).
Molecular consequence: synonymous variant. On other transcripts: 3 prime UTR variant (1).
Genome position (GRCh38, 1-based): chr6:43,614,443, C>T. VCF-style: chr6-43614443-C-T. GRCh37 (hg19) VCF-style: chr6-43582180-C-T.
Other names: c.1656C>T, p.Ala552= (NM_001291969.2); c.*712C>T (NM_001291970.2).
Identifiers: ClinVar variation 356916 (VCV000356916.37), dbSNP rs140971385, ClinGen allele CA3827349.
Genomic context (GRCh38, chr6:43,614,443, plus strand): 5'-ATTGGAGTTGCAGAAATCCTTTTTGCAGCCCCACTCTTCAAACCCCCAGGTTGTTTCTGC[C>T]GTATCTCATCAAGGCAAAAGAAATCCCAAGAGCCCTTTGGCCTGCACTAATAAACGCCCC-3'
Protein context (NP_006493.1, residues 666-686): PHSSNPQVVS[Ala676=]VSHQGKRNPK

ClinVar aggregate classification (germline): Benign/Likely benign. Review status: criteria provided, multiple submitters, no conflicts (2 of 4 stars). 7 submissions from 7 submitters: Benign (1); Likely benign (6). Last evaluated 2026-01-31.

Conditions:
Xeroderma pigmentosum (XP). Identifiers: Orphanet 910, MedGen C0043346, MONDO:0019600.
Xeroderma pigmentosum variant type. Also called: PHOTOSENSITIVITY WITH DEFECTIVE DNA SYNTHESIS; XERODERMA PIGMENTOSUM WITH NORMAL DNA REPAIR RATES; POLH-Related Xeroderma Pigmentosum. Identifiers: Orphanet 90342, MedGen C1848410, MONDO:0010214, OMIM 278750.
POLH-related disorder. Also called: POLH-related condition.

Allele frequency attached by ClinVar (database versions not stated): gnomAD exomes 0.00045; ExAC 0.00054; ESP Exome Variant Server 0.00077; 1000 Genomes Project 0.00080; TOPMed 0.00121.
gnomAD v4.1: 504 of 1,614,144 alleles (0.031%); highest among the groups gnomAD compares: East Asian, 0.48%; 3 homozygotes.

Submissions (7):

Labcorp Genetics (formerly Invitae), Labcorp
Classification: Benign. Last evaluated: 2026-01-31. Review status: criteria provided, single submitter. Criteria: Invitae Variant Classification Sherloc (09022015). Collection method: clinical testing. Allele origin: germline.

PreventionGenetics, part of Exact Sciences
Classification: Likely benign for POLH-related condition. Last evaluated: 2025-10-10. Review status: criteria provided, single submitter. Criteria: ACMG Guidelines, 2015. Collection method: clinical testing. Allele origin: germline.
Comment: This variant is classified as likely benign based on ACMG/AMP sequence variant interpretation guidelines (Richards et al. 2015 PMID: 25741868, with internal and published modifications).

Blueprint Genetics
Classification: Likely benign. Last evaluated: 2024-06-20. Review status: criteria provided, single submitter. Criteria: ACMG Guidelines, 2015. Collection method: clinical testing. Allele origin: germline.

CeGaT Center for Human Genetics Tuebingen
Classification: Likely benign. Last evaluated: 2022-07-01. Review status: criteria provided, single submitter. Criteria: CeGaT Center For Human Genetics Tuebingen Variant Classification Criteria Version 2. Collection method: clinical testing. Allele origin: germline. Affected: yes. Observed: 1 variant allele.
Comment: POLH: BP4, BP7

Sema4
Classification: Likely benign for Xeroderma pigmentosum. Last evaluated: 2020-12-19. Review status: criteria provided, single submitter. Criteria: Sema4 Curation Guidelines. Collection method: curation. Allele origin: germline.

GeneDx
Classification: Likely benign. Last evaluated: 2019-06-25. Review status: criteria provided, single submitter. Criteria: GeneDx Variant Classification Process June 2021. Collection method: clinical testing. Allele origin: germline. Affected: yes.

Illumina Laboratory Services, Illumina
Classification: Likely benign for Xeroderma pigmentosum variant type. Last evaluated: 2018-01-12. Review status: criteria provided, single submitter. Criteria: ICSL Variant Classification Criteria 13 December 2019. Collection method: clinical testing. Allele origin: germline.
Comment: This variant was observed in the ICSL laboratory as part of a predisposition screen in an ostensibly healthy population. It had not been previously curated by ICSL or reported in the Human Gene Mutation Database (HGMD: prior to June 1st, 2018), and was therefore a candidate for classification through an automated scoring system. Utilizing variant allele frequency, disease prevalence and penetrance estimates, and inheritance mode, an automated score was calculated to assess if this variant is too frequent to cause the disease. Based on the score and internal cut-off values, a variant classified as likely benign is not then subjected to further curation. The score for this variant resulted in a classification of likely benign for this disease.